The following is an entry in ClinVar:

NM_133259.4(LRPPRC):c.227C>T (p.Ser76Phe)

Gene: LRPPRC (leucine rich pentatricopeptide repeat containing; minus strand). Cytogenetic location: 2p21.
Variant type: single nucleotide variant.
Coding change: c.227C>T on transcript NM_133259.4 (MANE Select); coding-DNA position 227, C replaced by T.
Protein change: p.Ser76Phe; replaces serine 76 with phenylalanine.
Molecular consequence: missense variant.
Genome position (GRCh38, 1-based): chr2:43,982,357, G>A on the plus strand (C>T on the coding strand, the complement: LRPPRC is on the minus strand). VCF-style: chr2-43982357-G-A. GRCh37 (hg19) VCF-style: chr2-44209496-G-A.
Other names: short protein forms S76F.
Identifiers: ClinVar variation 4767352 (VCV004767352.1).
Genomic context (GRCh38, chr2:43,982,357, plus strand): 5'-CTTCGAACAGAAAGATCTAGTCTCATTAGAGCCCAATCAAACTGATTGGAAATCTTCCTA[G>A]AAGAAAAAGTGGACTCCTCTTGAATATCTTTTTCTTTGGCAGCAATGGCATACAGCCTGG-3'
Protein context (NP_573566.2, residues 66-86): KDIQEESTFS[Ser76Phe]RKISNQFDWA

ClinVar aggregate classification (germline): Uncertain significance (1 of 4 stars; one submission).

Submission:

Labcorp Genetics (formerly Invitae), Labcorp
Classification: Uncertain significance. Last evaluated: 2025-08-11. Review status: criteria provided, single submitter. Criteria: Invitae Variant Classification Sherloc (09022015). Collection method: clinical testing. Allele origin: germline.
Comment: This sequence change replaces serine, which is neutral and polar, with phenylalanine, which is neutral and non-polar, at codon 76 of the LRPPRC protein (p.Ser76Phe). This variant is not present in population databases (gnomAD no frequency). This variant has not been reported in the literature in individuals affected with LRPPRC-related conditions. Invitae Evidence Modeling of protein sequence and biophysical properties (such as structural, functional, and spatial information, amino acid conservation, physicochemical variation, residue mobility, and thermodynamic stability) indicates that this missense variant is not expected to disrupt LRPPRC protein function with a negative predictive value of 80%. In summary, the available evidence is currently insufficient to determine the role of this variant in disease. Therefore, it has been classified as a Variant of Uncertain Significance.